The following is an entry in ClinVar:

NM_004304.5(ALK):c.4528T>C (p.Trp1510Arg)

Gene: ALK (ALK receptor tyrosine kinase; minus strand). Cytogenetic location: 2p23.2.
Variant type: single nucleotide variant.
Coding change: c.4528T>C on transcript NM_004304.5 (MANE Select); coding-DNA position 4528, T replaced by C.
Protein change: p.Trp1510Arg; replaces tryptophan 1510 with arginine.
Molecular consequence: missense variant.
Genome position (GRCh38, 1-based): chr2:29,193,559, A>G on the plus strand (T>C on the coding strand, the complement: ALK is on the minus strand). VCF-style: chr2-29193559-A-G. GRCh37 (hg19) VCF-style: chr2-29416425-A-G.
Other names: c.1324T>C, p.Trp442Arg (NM_001353765.2); short protein forms W1510R, W442R.
Identifiers: ClinVar variation 4040758 (VCV004040758.1).
Genomic context (GRCh38, chr2:29,193,559, plus strand): 5'-TGTCGTGTGGCTCCTTCTTTGCTATAGGATTATTCTTTTTGGTGGGTTTCTCTGTAAACC[A>G]GGAGCCGTACGTTGGGTTCCACAAGCTGGTGGGCTTGTTTCTGGATCCGTGGACCTTGTG-3'
Protein context (NP_004295.2, residues 1500-1520): TSLWNPTYGS[Trp1510Arg]FTEKPTKKNN

ClinVar aggregate classification (germline): Uncertain significance (1 of 4 stars; one submission).

Conditions:
Hereditary cancer-predisposing syndrome. Also called: Neoplastic Syndromes, Hereditary; Tumor predisposition; Hereditary neoplastic syndrome; Hereditary Cancer Syndrome. Identifiers: Orphanet 140162, MedGen C0027672, MeSH D009386, MONDO:0015356.

gnomAD v4.1: 1 of 1,614,226 alleles (0.000062%); highest among the groups gnomAD compares: Middle Eastern, 0.016%; no homozygotes.

Submission:

Ambry Genetics
Classification: Uncertain significance for Hereditary cancer-predisposing syndrome. Last evaluated: 2025-04-24. Review status: criteria provided, single submitter. Criteria: Ambry Variant Classification Scheme 2023. Collection method: clinical testing. Allele origin: germline.
Comment: The p.W1510R variant (also known as c.4528T>C), located in coding exon 29 of the ALK gene, results from a T to C substitution at nucleotide position 4528. The tryptophan at codon 1510 is replaced by arginine, an amino acid with dissimilar properties. This amino acid position is conserved. In addition, this alteration is predicted to be deleterious by in silico analysis. Based on the available evidence, the clinical significance of this variant remains unclear.